The following is an entry in ClinVar:

NM_004360.5(CDH1):c.1166C>G (p.Ala389Gly)

Gene: CDH1 (cadherin 1; plus strand). Cytogenetic location: 16q22.1.
Variant type: single nucleotide variant.
Coding change: c.1166C>G on transcript NM_004360.5 (MANE Select); coding-DNA position 1166, C replaced by G.
Protein change: p.Ala389Gly; replaces alanine 389 with glycine.
Molecular consequence: missense variant. On other transcripts: 5 prime UTR variant (2), intron variant (1).
Genome position (GRCh38, 1-based): chr16:68,813,341, C>G. VCF-style: chr16-68813341-C-G. GRCh37 (hg19) VCF-style: chr16-68847244-C-G.
Other names: c.-450C>G (NM_001317185.2); c.-654C>G (NM_001317186.2); c.1137+1078C>G (NM_001317184.2); short protein forms A389G.
Identifiers: ClinVar variation 1738237 (VCV001738237.2), dbSNP rs1555515869, ClinGen allele CA396461128.
Genomic context (GRCh38, chr16:68,813,341, plus strand): 5'-CTTTGTAAATGACACATCTCTTTGCTCTGCAGTACAAGGGTCAGGTGCCTGAGAACGAGG[C>G]TAACGTCGTAATCACCACACTGAAAGTGACTGATGCTGATGCCCCCAATACCCCAGCGTG-3'
Protein context (NP_004351.1, residues 379-399): TYKGQVPENE[Ala389Gly]NVVITTLKVT

ClinVar aggregate classification (germline): Uncertain significance (1 of 4 stars; one submission).

Conditions:
Hereditary cancer-predisposing syndrome. Also called: Neoplastic Syndromes, Hereditary; Tumor predisposition; Hereditary Cancer Syndrome; Hereditary neoplastic syndrome. Identifiers: Orphanet 140162, MedGen C0027672, MeSH D009386, MONDO:0015356.

Submission:

Ambry Genetics
Classification: Uncertain significance for Hereditary cancer-predisposing syndrome. Last evaluated: 2022-01-18. Review status: criteria provided, single submitter. Criteria: Ambry Variant Classification Scheme 2023. Collection method: clinical testing. Allele origin: germline.
Comment: The p.A389G variant (also known as c.1166C>G), located in coding exon 9 of the CDH1 gene, results from a C to G substitution at nucleotide position 1166. The alanine at codon 389 is replaced by glycine, an amino acid with similar properties. This amino acid position is conserved. In addition, this alteration is predicted to be tolerated by in silico analysis. Since supporting evidence is limited at this time, the clinical significance of this alteration remains unclear.